The following is an entry in ClinVar:

NM_002203.4(ITGA2):c.1638C>T (p.Pro546=)

Gene: ITGA2 (integrin subunit alpha 2; plus strand). Cytogenetic location: 5q11.2.
Variant type: single nucleotide variant.
Coding change: c.1638C>T on transcript NM_002203.4 (MANE Select); coding-DNA position 1638, C replaced by T.
Protein change: p.Pro546=; no amino-acid change (proline 546 retained).
Molecular consequence: synonymous variant. On other transcripts: non-coding transcript variant (5).
Genome position (GRCh38, 1-based): chr5:53,064,947, C>T. VCF-style: chr5-53064947-C-T. GRCh37 (hg19) VCF-style: chr5-52360777-C-T.
Identifiers: ClinVar variation 353756 (VCV000353756.9), dbSNP rs199602142, ClinGen allele CA3262964.

ClinVar aggregate classification (germline): Benign/Likely benign. Review status: criteria provided, multiple submitters, no conflicts (2 of 4 stars). 3 submissions from 3 submitters: Benign (2); Likely benign (1). Last evaluated 2024-11-15.

Conditions:
Platelet-type bleeding disorder 9 (BDPLT9). Also called: GLYCOPROTEIN Ia DEFICIENCY; GP Ia DEFICIENCY; COLLAGEN PLATELET RECEPTOR DEFICIENCY. Identifiers: Orphanet 73271, Orphanet 98886, MedGen C3280114, MONDO:0013622, OMIM 614200.

Allele frequency attached by ClinVar (database versions not stated): ESP Exome Variant Server 0.00008; TOPMed 0.00014; 1000 Genomes Project 30x 0.00016; 1000 Genomes Project 0.00020; gnomAD exomes 0.00025 and 0.00033; gnomAD 0.00034 and 0.00036; ExAC 0.00038.
gnomAD v4.1: 408 of 1,612,724 alleles (0.025%); highest among the groups gnomAD compares: Non-Finnish European, 0.021%; no homozygotes.

Submissions (3):

Blueprint Genetics
Classification: Likely benign. Last evaluated: 2024-11-15. Review status: criteria provided, single submitter. Criteria: ACMG Guidelines, 2015. Collection method: clinical testing. Allele origin: germline.

Labcorp Genetics (formerly Invitae), Labcorp
Classification: Benign. Last evaluated: 2018-12-18. Review status: criteria provided, single submitter. Criteria: Invitae Variant Classification Sherloc (09022015). Collection method: clinical testing. Allele origin: germline.

Illumina Laboratory Services, Illumina
Classification: Benign for Platelet-type bleeding disorder 9. Last evaluated: 2018-01-12. Review status: criteria provided, single submitter. Criteria: ICSL Variant Classification Criteria 13 December 2019. Collection method: clinical testing. Allele origin: germline.
Comment: This variant was observed in the ICSL laboratory as part of a predisposition screen in an ostensibly healthy population. It had not been previously curated by ICSL or reported in the Human Gene Mutation Database (HGMD: prior to June 1st, 2018), and was therefore a candidate for classification through an automated scoring system. Utilizing variant allele frequency, disease prevalence and penetrance estimates, and inheritance mode, an automated score was calculated to assess if this variant is too frequent to cause the disease. Based on the score and internal cut-off values, a variant classified as benign is not then subjected to further curation. The score for this variant resulted in a classification of benign for this disease.